The following is an entry in ClinVar:

ClinVar aggregate classification (germline): Uncertain significance. Review status: criteria provided, multiple submitters, no conflicts (2 of 4 stars). 3 submissions from 3 submitters: Uncertain significance (3). Last evaluated 2025-01-28.

Conditions:
Epilepsy, childhood absence, susceptibility to, 6. Identifiers: Orphanet 64280, MedGen C2749872, MONDO:0012763, OMIM 611942.
Hyperaldosteronism, familial, type IV (HALD4). Also called: FH IV; ALDOSTERONISM, PRIMARY, AND HYPERTENSION. Identifiers: Orphanet 642671, MedGen C4310756, MONDO:0014875, OMIM 617027.
Idiopathic generalized epilepsy. Also called: Generalised epilepsy; EIG. Identifiers: MedGen C0270850, MONDO:0005579, OMIM 600669.
Inborn genetic diseases. Identifiers: MedGen C0950123, MeSH D030342.

Allele frequency attached by ClinVar (database versions not stated): gnomAD 0.00001; gnomAD exomes 0.00001 and 0.00003; ExAC 0.00003; TOPMed 0.00003.

Submissions (3):

Labcorp Genetics (formerly Invitae), Labcorp
Classification: Uncertain significance for Idiopathic generalized epilepsy; Hyperaldosteronism, familial, type IV. Last evaluated: 2025-01-28. Review status: criteria provided, single submitter. Criteria: Invitae Variant Classification Sherloc (09022015). Collection method: clinical testing. Allele origin: germline.
Comment: This sequence change replaces arginine, which is basic and polar, with cysteine, which is neutral and slightly polar, at codon 1580 of the CACNA1H protein (p.Arg1580Cys). This variant is present in population databases (rs777159526, gnomAD 0.01%). This variant has not been reported in the literature in individuals affected with CACNA1H-related conditions. ClinVar contains an entry for this variant (Variation ID: 1042835). Invitae Evidence Modeling of protein sequence and biophysical properties (such as structural, functional, and spatial information, amino acid conservation, physicochemical variation, residue mobility, and thermodynamic stability) indicates that this missense variant is not expected to disrupt CACNA1H protein function with a negative predictive value of 80%. In summary, the available evidence is currently insufficient to determine the role of this variant in disease. Therefore, it has been classified as a Variant of Uncertain Significance.

Ambry Genetics
Classification: Uncertain significance for Inborn genetic diseases. Last evaluated: 2024-08-19. Review status: criteria provided, single submitter. Criteria: Ambry Variant Classification Scheme 2023. Collection method: clinical testing. Allele origin: germline.

Fulgent Genetics
Classification: Uncertain significance for Epilepsy, childhood absence, susceptibility to, 6; Hyperaldosteronism, familial, type IV. Last evaluated: 2021-12-27. Review status: criteria provided, single submitter. Criteria: ACMG Guidelines, 2015. Collection method: clinical testing. Allele origin: unknown.

NM_021098.3(CACNA1H):c.4738C>T (p.Arg1580Cys)

Gene: CACNA1H (calcium voltage-gated channel subunit alpha1 H; plus strand). Cytogenetic location: 16p13.3.
Variant type: single nucleotide variant.
Coding change: c.4738C>T on transcript NM_021098.3 (MANE Select); coding-DNA position 4738, C replaced by T.
Protein change: p.Arg1580Cys; replaces arginine 1580 with cysteine.
Molecular consequence: missense variant.
Genome position (GRCh38, 1-based): chr16:1,212,117, C>T. VCF-style: chr16-1212117-C-T. GRCh37 (hg19) VCF-style: chr16-1262117-C-T.
Other names: c.4738C>T (NM_021098.2); c.4738C>T, p.Arg1580Cys (NM_001005407.2); short protein forms R1580C.
Identifiers: ClinVar variation 1042835 (VCV001042835.10), dbSNP rs777159526, ClinGen allele CA7801511.